The following is an entry in ClinVar:

NM_005909.5(MAP1B):c.4902C>T (p.Pro1634=)

Gene: MAP1B (microtubule associated protein 1B; plus strand). Cytogenetic location: 5q13.2.
Variant type: single nucleotide variant.
Coding change: c.4902C>T on transcript NM_005909.5 (MANE Select); coding-DNA position 4902, C replaced by T.
Protein change: p.Pro1634=; no amino-acid change (proline 1634 retained).
Molecular consequence: synonymous variant.
Genome position (GRCh38, 1-based): chr5:72,198,257, C>T. VCF-style: chr5-72198257-C-T. GRCh37 (hg19) VCF-style: chr5-71494084-C-T.
Other names: c.4524C>T, p.Pro1508= (NM_001324255.2).
Identifiers: ClinVar variation 710322 (VCV000710322.36), dbSNP rs34984533, ClinGen allele CA3299221.

ClinVar aggregate classification (germline): Benign/Likely benign. Review status: criteria provided, multiple submitters, no conflicts (2 of 4 stars). 6 submissions from 6 submitters: Benign (3); Likely benign (2). 1 of the submissions does not count toward it. Last evaluated 2026-09-01.

Conditions:
Hearing loss, autosomal dominant 83. Also called: Deafness, autosomal dominant 83. Identifiers: MedGen C5676951, MONDO:0030723, OMIM 619808.
Periventricular nodular heterotopia 9. Identifiers: MedGen C5394503, MONDO:0030061, OMIM 618918.
MAP1B-related disorder. Also called: MAP1B-related condition.

Allele frequency attached by ClinVar (database versions not stated): 1000 Genomes Project 0.00240; 1000 Genomes Project 30x 0.00265; ExAC 0.00344; gnomAD exomes 0.00371 and 0.00483; gnomAD 0.00421 and 0.00426; TOPMed 0.00467; ESP Exome Variant Server 0.00515.
gnomAD v4.1: 7,671 of 1,614,134 alleles (0.48%); highest among the groups gnomAD compares: Non-Finnish European, 0.57%; 22 homozygotes.

Submissions (6):

CeGaT Center for Human Genetics Tuebingen
Classification: Benign. Last evaluated: 2026-09-01. Review status: criteria provided, single submitter. Criteria: CeGaT Center For Human Genetics Tuebingen Variant Classification Criteria Version 2. Collection method: clinical testing. Allele origin: germline. Affected: yes. Observed: 17 variant alleles.
Comment: MAP1B: BP4, BP7, BS1, BS2

Blueprint Genetics
Classification: Likely benign. Last evaluated: 2024-11-26. Review status: criteria provided, single submitter. Criteria: ACMG Guidelines, 2015. Collection method: clinical testing. Allele origin: germline.

Fulgent Genetics
Classification: Likely benign for Periventricular nodular heterotopia 9; Hearing loss, autosomal dominant 83. Last evaluated: 2021-09-27. Review status: criteria provided, single submitter. Criteria: ACMG Guidelines, 2015. Collection method: clinical testing. Allele origin: unknown.

Labcorp Genetics (formerly Invitae), Labcorp
Classification: Benign. Last evaluated: 2019-12-31. Review status: criteria provided, single submitter. Criteria: Invitae Variant Classification Sherloc (09022015). Collection method: clinical testing. Allele origin: germline.

Breakthrough Genomics
Classification: Benign. Review status: criteria provided, single submitter. Criteria: ACMG Guidelines, 2015. Collection method: not provided. Allele origin: germline. Inheritance: Autosomal dominant inheritance. Affected: yes.

PreventionGenetics, part of Exact Sciences
Classification: Likely benign for MAP1B-related condition. Last evaluated: 2020-09-30. Review status: no assertion criteria provided. Collection method: clinical testing. Allele origin: germline. Not counted in ClinVar's aggregate classification.
Comment: This variant is classified as likely benign based on ACMG/AMP sequence variant interpretation guidelines (Richards et al. 2015 PMID: 25741868, with internal and published modifications).